The following is an entry in ClinVar:

NM_005216.5(DDOST):c.893G>A (p.Arg298Gln)

Gene: DDOST (dolichyl-diphosphooligosaccharide--protein glycosyltransferase non-catalytic subunit; minus strand). Cytogenetic location: 1p36.12.
Variant type: single nucleotide variant.
Coding change: c.893G>A on transcript NM_005216.5 (MANE Select); coding-DNA position 893, G replaced by A.
Protein change: p.Arg298Gln; replaces arginine 298 with glutamine.
Molecular consequence: missense variant.
Genome position (GRCh38, 1-based): chr1:20,653,676, C>T on the plus strand (G>A on the coding strand, the complement: DDOST is on the minus strand). VCF-style: chr1-20653676-C-T. GRCh37 (hg19) VCF-style: chr1-20980169-C-T.
Other names: short protein forms R315Q, R298Q.
Identifiers: ClinVar variation 295113 (VCV000295113.14), dbSNP rs117925699, ClinGen allele CA661095.

ClinVar aggregate classification (germline): Benign. Review status: criteria provided, multiple submitters, no conflicts (2 of 4 stars). 3 submissions from 3 submitters: Benign (3). Last evaluated 2025-12-24.

Conditions:
Congenital disorder of glycosylation type Ir (CDG1R). Also called: DDOST-congenital disorder of glycosylation. Identifiers: Orphanet 300536, MedGen C3281084, MONDO:0013789, OMIM 614507.

Allele frequency attached by ClinVar (database versions not stated): ESP Exome Variant Server 0.00023; gnomAD 0.00098 and 0.00133; TOPMed 0.00148; ExAC 0.00295; gnomAD exomes 0.00314; 1000 Genomes Project 30x 0.00531; 1000 Genomes Project 0.00619.
gnomAD v4.1: 1,657 of 1,613,706 alleles (0.1%); highest among the groups gnomAD compares: East Asian, 2.7%; 22 homozygotes.

Submissions (29):

Labcorp Genetics (formerly Invitae), Labcorp
Classification: Benign for Congenital disorder of glycosylation type Ir. Last evaluated: 2025-12-24. Review status: criteria provided, single submitter. Criteria: Invitae Variant Classification Sherloc (09022015). Collection method: clinical testing. Allele origin: germline.

GeneDx
Classification: Benign. Last evaluated: 2017-01-31. Review status: criteria provided, single submitter. Criteria: GeneDx Variant Classification (06012015). Collection method: clinical testing. Allele origin: germline. Affected: yes.
Comment: This variant is considered likely benign or benign based on one or more of the following criteria: it is a conservative change, it occurs at a poorly conserved position in the protein, it is predicted to be benign by multiple in silico algorithms, and/or has population frequency not consistent with disease.

Breakthrough Genomics
Classification: Benign. Review status: criteria provided, single submitter. Criteria: ACMG Guidelines, 2015. Collection method: not provided. Allele origin: germline. Inheritance: Autosomal recessive inheritance. Affected: yes.

Dr. Peter K. Rogan Lab, Western University
No classification provided (evidence only). Condition: Clear cell carcinoma of kidney. Review status: no classification provided. Collection method: in vitro. Allele origin: not applicable. Functional consequence: cryptic splice site, retained intron. Not counted in ClinVar's aggregate classification.

Dr. Peter K. Rogan Lab, Western University
No classification provided (evidence only). Condition: Colon adenocarcinoma. Review status: no classification provided. Collection method: in vitro. Allele origin: not applicable. Functional consequence: cryptic splice site. Not counted in ClinVar's aggregate classification.

Dr. Peter K. Rogan Lab, Western University
No classification provided (evidence only). Condition: Thyroid cancer, nonmedullary, 1. Review status: no classification provided. Collection method: in vitro. Allele origin: not applicable. Functional consequence: cryptic splice site. Not counted in ClinVar's aggregate classification.

Dr. Peter K. Rogan Lab, Western University
No classification provided (evidence only). Condition: Thyroid cancer, nonmedullary, 1. Review status: no classification provided. Collection method: in vitro. Allele origin: not applicable. Functional consequence: cryptic splice site, retained intron. Not counted in ClinVar's aggregate classification.

Dr. Peter K. Rogan Lab, Western University
No classification provided (evidence only). Condition: Thyroid cancer, nonmedullary, 1. Review status: no classification provided. Collection method: in vitro. Allele origin: not applicable. Functional consequence: cryptic splice site. Not counted in ClinVar's aggregate classification.

Dr. Peter K. Rogan Lab, Western University
No classification provided (evidence only). Condition: Thyroid cancer, nonmedullary, 1. Review status: no classification provided. Collection method: in vitro. Allele origin: not applicable. Functional consequence: cryptic splice site. Not counted in ClinVar's aggregate classification.

Dr. Peter K. Rogan Lab, Western University
No classification provided (evidence only). Condition: Cervical cancer. Review status: no classification provided. Collection method: in vitro. Allele origin: not applicable. Functional consequence: cryptic splice site. Not counted in ClinVar's aggregate classification.

Dr. Peter K. Rogan Lab, Western University
No classification provided (evidence only). Condition: Hepatocellular carcinoma. Review status: no classification provided. Collection method: in vitro. Allele origin: not applicable. Functional consequence: skipped exon. Not counted in ClinVar's aggregate classification.

Dr. Peter K. Rogan Lab, Western University
No classification provided (evidence only). Condition: Hepatocellular carcinoma. Review status: no classification provided. Collection method: in vitro. Allele origin: not applicable. Functional consequence: cryptic splice site, retained intron. Not counted in ClinVar's aggregate classification.

Dr. Peter K. Rogan Lab, Western University
No classification provided (evidence only). Condition: Hepatocellular carcinoma. Review status: no classification provided. Collection method: in vitro. Allele origin: not applicable. Functional consequence: cryptic splice site. Not counted in ClinVar's aggregate classification.

Dr. Peter K. Rogan Lab, Western University
No classification provided (evidence only). Condition: Hepatocellular carcinoma. Review status: no classification provided. Collection method: in vitro. Allele origin: not applicable. Functional consequence: cryptic splice site. Not counted in ClinVar's aggregate classification.

Dr. Peter K. Rogan Lab, Western University
No classification provided (evidence only). Condition: Hepatocellular carcinoma. Review status: no classification provided. Collection method: in vitro. Allele origin: not applicable. Functional consequence: cryptic splice site, skipped exon. Not counted in ClinVar's aggregate classification.

Dr. Peter K. Rogan Lab, Western University
No classification provided (evidence only). Condition: Hepatocellular carcinoma. Review status: no classification provided. Collection method: in vitro. Allele origin: not applicable. Functional consequence: cryptic splice site, retained intron. Not counted in ClinVar's aggregate classification.

Dr. Peter K. Rogan Lab, Western University
No classification provided (evidence only). Condition: Hepatocellular carcinoma. Review status: no classification provided. Collection method: in vitro. Allele origin: not applicable. Functional consequence: cryptic splice site. Not counted in ClinVar's aggregate classification.

Dr. Peter K. Rogan Lab, Western University
No classification provided (evidence only). Condition: Hepatocellular carcinoma. Review status: no classification provided. Collection method: in vitro. Allele origin: not applicable. Functional consequence: cryptic splice site. Not counted in ClinVar's aggregate classification.

Dr. Peter K. Rogan Lab, Western University
No classification provided (evidence only). Condition: Hepatocellular carcinoma. Review status: no classification provided. Collection method: in vitro. Allele origin: not applicable. Functional consequence: cryptic splice site, skipped exon. Not counted in ClinVar's aggregate classification.

Dr. Peter K. Rogan Lab, Western University
No classification provided (evidence only). Condition: Thymoma. Review status: no classification provided. Collection method: in vitro. Allele origin: not applicable. Functional consequence: cryptic splice site. Not counted in ClinVar's aggregate classification.

Dr. Peter K. Rogan Lab, Western University
No classification provided (evidence only). Condition: Gastric cancer. Review status: no classification provided. Collection method: in vitro. Allele origin: not applicable. Functional consequence: retained intron. Not counted in ClinVar's aggregate classification.

Dr. Peter K. Rogan Lab, Western University
No classification provided (evidence only). Condition: Gastric cancer. Review status: no classification provided. Collection method: in vitro. Allele origin: not applicable. Functional consequence: retained intron. Not counted in ClinVar's aggregate classification.

Dr. Peter K. Rogan Lab, Western University
No classification provided (evidence only). Condition: Gastric cancer. Review status: no classification provided. Collection method: in vitro. Allele origin: not applicable. Functional consequence: retained intron. Not counted in ClinVar's aggregate classification.

Dr. Peter K. Rogan Lab, Western University
No classification provided (evidence only). Condition: Uterine carcinosarcoma. Review status: no classification provided. Collection method: in vitro. Allele origin: not applicable. Functional consequence: cryptic splice site. Not counted in ClinVar's aggregate classification.

Dr. Peter K. Rogan Lab, Western University
No classification provided (evidence only). Condition: Malignant tumor of esophagus. Review status: no classification provided. Collection method: in vitro. Allele origin: not applicable. Functional consequence: cryptic splice site, retained intron. Not counted in ClinVar's aggregate classification.

Dr. Peter K. Rogan Lab, Western University
No classification provided (evidence only). Condition: Malignant tumor of esophagus. Review status: no classification provided. Collection method: in vitro. Allele origin: not applicable. Functional consequence: cryptic splice site, retained intron. Not counted in ClinVar's aggregate classification.

Dr. Peter K. Rogan Lab, Western University
No classification provided (evidence only). Condition: Malignant tumor of esophagus. Review status: no classification provided. Collection method: in vitro. Allele origin: not applicable. Functional consequence: cryptic splice site, retained intron. Not counted in ClinVar's aggregate classification.

Dr. Peter K. Rogan Lab, Western University
No classification provided (evidence only). Condition: Malignant tumor of esophagus. Review status: no classification provided. Collection method: in vitro. Allele origin: not applicable. Functional consequence: cryptic splice site, retained intron. Not counted in ClinVar's aggregate classification.

Dr. Peter K. Rogan Lab, Western University
No classification provided (evidence only). Condition: Malignant tumor of esophagus. Review status: no classification provided. Collection method: in vitro. Allele origin: not applicable. Functional consequence: cryptic splice site, retained intron. Not counted in ClinVar's aggregate classification.